The following is an entry in ClinVar:

NM_001128840.3(CACNA1D):c.917C>T (p.Ser306Leu)

Gene: CACNA1D (calcium voltage-gated channel subunit alpha1 D; plus strand). Cytogenetic location: 3p21.1.
Variant type: single nucleotide variant.
Coding change: c.917C>T on transcript NM_001128840.3 (MANE Select); coding-DNA position 917, C replaced by T.
Protein change: p.Ser306Leu; replaces serine 306 with leucine.
Molecular consequence: missense variant.
Genome position (GRCh38, 1-based): chr3:53,665,810, C>T. VCF-style: chr3-53665810-C-T. GRCh37 (hg19) VCF-style: chr3-53699837-C-T.
Other names: c.917C>T, p.Ser306Leu (NM_000720.4, NM_001128839.3); c.917C>T (NM_000720.2); short protein forms S306L.
Identifiers: ClinVar variation 1394517 (VCV001394517.7), dbSNP rs992092019, ClinGen allele CA75072295.

ClinVar aggregate classification (germline): Uncertain significance. Review status: criteria provided, multiple submitters, no conflicts (2 of 4 stars). 2 submissions from 2 submitters: Uncertain significance (2). Last evaluated 2025-12-31.

Conditions:
Inborn genetic diseases. Identifiers: MedGen C0950123, MeSH D030342.

Allele frequency attached by ClinVar (database versions not stated): gnomAD exomes below 0.00001; TOPMed 0.00001.
gnomAD v4.1: 1 of 1,612,152 alleles (0.000062%); highest among the groups gnomAD compares: South Asian, 0.0011%; no homozygotes.

Submissions (2):

Ambry Genetics
Classification: Uncertain significance for Inborn genetic diseases. Last evaluated: 2025-12-31. Review status: criteria provided, single submitter. Criteria: Ambry Variant Classification Scheme 2023. Collection method: clinical testing. Allele origin: germline.

Labcorp Genetics (formerly Invitae), Labcorp
Classification: Uncertain significance. Last evaluated: 2025-07-02. Review status: criteria provided, single submitter. Criteria: Invitae Variant Classification Sherloc (09022015). Collection method: clinical testing. Allele origin: germline.
Comment: This sequence change replaces serine, which is neutral and polar, with leucine, which is neutral and non-polar, at codon 306 of the CACNA1D protein (p.Ser306Leu). This variant is not present in population databases (gnomAD no frequency). This variant has not been reported in the literature in individuals affected with CACNA1D-related conditions. ClinVar contains an entry for this variant (Variation ID: 1394517). An algorithm developed to predict the effect of missense changes on protein structure and function (PolyPhen-2) suggests that this variant is likely to be tolerated. In summary, the available evidence is currently insufficient to determine the role of this variant in disease. Therefore, it has been classified as a Variant of Uncertain Significance.